The following is an entry in ClinVar:

ClinVar aggregate classification (germline): Likely pathogenic. Review status: criteria provided, multiple submitters, no conflicts (2 of 4 stars). 3 submissions from 3 submitters: Likely pathogenic (2). 1 of the submissions does not count toward it. Last evaluated 2020-05-29.

Conditions:
Developmental and epileptic encephalopathy. Identifiers: MedGen C5779964, MONDO:0100620.
Developmental and epileptic encephalopathy, 82. Also called: EPILEPTIC ENCEPHALOPATHY, EARLY INFANTILE, 82; GLUTAMATE OXALOACETATE TRANSAMINASE, MITOCHONDRIAL, DEFICIENCY OF; GOT2 DEFICIENCY. Identifiers: MedGen C5231473, MONDO:0032880, OMIM 618721.

Allele frequency attached by ClinVar (database versions not stated): gnomAD exomes below 0.00001.
gnomAD v4.1: 1 of 1,613,912 alleles (0.000062%); highest among the groups gnomAD compares: Non-Finnish European, 0.000085%; no homozygotes.

Submissions (3):

Broad Center for Mendelian Genomics, Broad Institute of MIT and Harvard
Classification: Likely pathogenic for Developmental and epileptic encephalopathy. Last evaluated: 2020-05-29. Review status: criteria provided, single submitter. Criteria: ACMG Guidelines, 2015. Collection method: research. Allele origin: germline. Inheritance: Autosomal recessive inheritance.
Comment: This variant was absent from large population studies. This variant has also been reported in ClinVar as pathogenic by OMIM and likely pathogenic by TIDEX, University of British Columbia (Variation ID: 691281). In vitro functional studies provide some evidence that the variant may slightly impact protein function (PMID: 31422819). However, these types of assays may not accurately represent biological function. Computational prediction tools and conservation analyses suggest that this variant may impact the protein, though this information is not predictive enough to determine pathogenicity. In summary, although additional studies are required to fully establish its clinical significance, this variant is likely pathogenic. ACMG/AMP Criteria applied: PM2, PP3, PM3_supporting, PS3_moderate (Richards 2015).

TIDEX, University of British Columbia
Classification: Likely pathogenic for Early infantile epileptic encephalopathy. Last evaluated: 2019-07-17. Review status: criteria provided, single submitter. Criteria: ACMG Guidelines, 2015. Collection method: research. Allele origin: inherited. Inheritance: Autosomal recessive inheritance. Affected: yes. Observed: 1 variant allele.

OMIM
Classification: Pathogenic for DEVELOPMENTAL AND EPILEPTIC ENCEPHALOPATHY 82. Last evaluated: 2020-10-11. Review status: no assertion criteria provided. Collection method: literature only. Allele origin: germline. Not counted in ClinVar's aggregate classification.

Literature cited by the submitters: PubMed 31422819 (cited by 3 submitters).

NM_002080.4(GOT2):c.1097G>T (p.Gly366Val)

Gene: GOT2 (glutamic-oxaloacetic transaminase 2; minus strand). Cytogenetic location: 16q21.
Variant type: single nucleotide variant.
Coding change: c.1097G>T on transcript NM_002080.4 (MANE Select); coding-DNA position 1097, G replaced by T.
Protein change: p.Gly366Val; replaces glycine 366 with valine.
Molecular consequence: missense variant.
Genome position (GRCh38, 1-based): chr16:58,709,490, C>A on the plus strand (G>T on the coding strand, the complement: GOT2 is on the minus strand). VCF-style: chr16-58709490-C-A. GRCh37 (hg19) VCF-style: chr16-58743394-C-A.
Other names: c.968G>T, p.Gly323Val (NM_001286220.2); short protein forms G323V, G366V.
Identifiers: ClinVar variation 691281 (VCV000691281.6), dbSNP rs1597696047, ClinGen allele CA396163390.